The following is an entry in ClinVar:

NM_004415.4(DSP):c.4941del (p.Lys1647fs)

Gene: DSP (desmoplakin; plus strand). Cytogenetic location: 6p24.3.
Variant type: Deletion.
Coding change: c.4941del on transcript NM_004415.4 (MANE Select); coding-DNA position 4941, one base deleted (G; older notation c.4941delG).
Protein change: p.Lys1647fs; shifts the reading frame from lysine 1647.
Molecular consequence: frameshift variant. On other transcripts: intron variant (2).
Genome position (GRCh38, 1-based): chr6:7,581,131, G deleted. VCF-style (leftmost placement, unchanged base first): chr6-7581130-AG-A. GRCh37 (hg19) VCF-style: chr6-7581363-AG-A.
Other names: c.4050+891del (NM_001319034.2); c.3582+1359del (NM_001008844.3); short protein forms K1647fs.
Identifiers: ClinVar variation 2018873 (VCV002018873.4), dbSNP rs2533930930, ClinGen allele CA2580075397.

ClinVar aggregate classification (germline): Pathogenic (1 of 4 stars; one submission).

Conditions:
Arrhythmogenic cardiomyopathy with wooly hair and keratoderma. Also called: Carvajal syndrome; Dilated cardiomyopathy with woolly hair and keratoderma; Arrhythmogenic cardiomyopathy with woolly hair and keratoderma; PALMOPLANTAR KERATODERMA WITH LEFT VENTRICULAR CARDIOMYOPATHY AND WOOLLY HAIR. Identifiers: Orphanet 65282, MedGen C1854063, MONDO:0011581, OMIM 605676.
Arrhythmogenic right ventricular dysplasia 8 (ARVD8). Also called: Arrhythmogenic Right Ventricular Dysplasia/Cardiomyopathy 8; ARRHYTHMOGENIC RIGHT VENTRICULAR DYSPLASIA, FAMILIAL, 8; ARRHYTHMOGENIC RIGHT VENTRICULAR CARDIOMYOPATHY 8. Identifiers: MedGen C1843896, MONDO:0011831, OMIM 607450.

Submission:

Labcorp Genetics (formerly Invitae), Labcorp
Classification: Pathogenic for Arrhythmogenic cardiomyopathy with wooly hair and keratoderma; Arrhythmogenic right ventricular dysplasia 8. Last evaluated: 2022-07-22. Review status: criteria provided, single submitter. Criteria: Invitae Variant Classification Sherloc (09022015). Collection method: clinical testing. Allele origin: germline.
Comment: For these reasons, this variant has been classified as Pathogenic. This variant has not been reported in the literature in individuals affected with DSP-related conditions. This variant is not present in population databases (gnomAD no frequency). This sequence change creates a premature translational stop signal (p.Lys1647Asnfs*8) in the DSP gene. It is expected to result in an absent or disrupted protein product. Loss-of-function variants in DSP are known to be pathogenic (PMID: 20716751, 24503780, 25227139).

Literature cited by the submitters: PubMed 20716751; PubMed 24503780; PubMed 25227139.